The following is an entry in ClinVar:

ClinVar aggregate classification (germline): Uncertain significance (1 of 4 stars; one submission).

Conditions:
Primary ciliary dyskinesia. Also called: Ciliary dyskinesia. Identifiers: Orphanet 244, MedGen C0008780, MONDO:0016575, HP:0012265.

Submission:

Labcorp Genetics (formerly Invitae), Labcorp
Classification: Uncertain significance for Primary ciliary dyskinesia. Last evaluated: 2024-01-17. Review status: criteria provided, single submitter. Criteria: Invitae Variant Classification Sherloc (09022015). Collection method: clinical testing. Allele origin: germline.
Comment: This sequence change replaces glycine, which is neutral and non-polar, with arginine, which is basic and polar, at codon 817 of the RPGR (ORF15) protein (p.Gly817Arg). The frequency data for this variant in the population databases is considered unreliable, as metrics indicate poor data quality at this position in the gnomAD database. This variant has not been reported in the literature in individuals affected with RPGR (ORF15)-related conditions. Advanced modeling of protein sequence and biophysical properties (such as structural, functional, and spatial information, amino acid conservation, physicochemical variation, residue mobility, and thermodynamic stability) performed at Invitae indicates that this missense variant is not expected to disrupt RPGR (ORF15) protein function with a negative predictive value of 95%. In summary, the available evidence is currently insufficient to determine the role of this variant in disease. Therefore, it has been classified as a Variant of Uncertain Significance.

NM_001034853.2(RPGR):c.2449G>A (p.Gly817Arg)

Gene: RPGR (retinitis pigmentosa GTPase regulator; minus strand). Cytogenetic location: Xp11.4.
Variant type: single nucleotide variant.
Coding change: c.2449G>A on transcript NM_001034853.2 (MANE Select); coding-DNA position 2449, G replaced by A.
Protein change: p.Gly817Arg; replaces glycine 817 with arginine.
Molecular consequence: missense variant. On other transcripts: intron variant (8).
Genome position (GRCh38, 1-based): chrX:38,286,550, C>T on the plus strand (G>A on the coding strand, the complement: RPGR is on the minus strand). VCF-style: chrX-38286550-C-T. GRCh37 (hg19) VCF-style: chrX-38145803-C-T.
Other names: c.1569+4409G>A (NM_001367249.1, NM_001367250.1); c.1902+544G>A (NM_001367245.1); c.1386+4409G>A (NM_001367251.1); c.1719+544G>A (NM_001367246.1); c.1572+4409G>A (NM_001367247.1); c.1905+544G>A (NM_000328.3); c.1602+4409G>A (NM_001367248.1); short protein forms G817R.
Identifiers: ClinVar variation 2723748 (VCV002723748.3), dbSNP rs1271729130, ClinGen allele CA412730615.
Genomic context (GRCh38, chrX:38,286,550, plus strand): 5'-CTTCCCCCTCACCCTCCTCCTCTTCCTCTTCCCTCTCTCCTTTCCCCTCCTCTACTTCCC[C>T]TCCCTCTACTTCCCCTCCCTCCTCTTTTTCCTCCCCTCTCCCCTCTGTTTCCTCCTCTTC-3'
Protein context (NP_001030025.1, residues 807-827): EKEEGGEVEG[Gly817Arg]EVEEGKGERE